The following is an entry in ClinVar:

ClinVar aggregate classification (germline): Conflicting classifications of pathogenicity. Review status: criteria provided, conflicting classifications (1 of 4 stars). 12 submissions from 12 submitters: Uncertain significance (5); Likely benign (6). 1 of the submissions does not count toward it. Last evaluated 2026-07-17.

Conditions:
LMNA-related disorder. Also called: LMNA-related condition; LMNA-related disease; LMNA-related disorders. Identifiers: MedGen CN380145.
Cardiovascular phenotype. Identifiers: MedGen CN230736.
Charcot-Marie-Tooth disease type 2. Also called: Charcot-Marie-Tooth type 2. Identifiers: Orphanet 64746, MedGen C0270914, MONDO:0018993.
Cardiomyopathy (CMYO). Also called: Cardiomyopathies. Identifiers: Orphanet 167848, MedGen C0878544, MONDO:0004994, HP:0001638. Inheritance: Various modes of inheritance.

Allele frequency attached by ClinVar (database versions not stated): gnomAD 0.00063 and 0.00057; ExAC 0.00015; TOPMed 0.00074; ESP Exome Variant Server 0.00092.
gnomAD v4.1: 168 of 1,613,114 alleles (0.01%); highest among the groups gnomAD compares: African/African-American, 0.2%; no homozygotes.

Submissions (12):

GeneDx
Classification: Uncertain significance. Last evaluated: 2026-07-17. Review status: criteria provided, single submitter. Criteria: GeneDx Variant Classification Process June 2021. Collection method: clinical testing. Allele origin: germline.
Comment: Reported in association with cardiolaminopathy and DCM in published literature (PMID: 23183350, 23062543, 24503780, 37652022); In silico analysis suggests that this missense variant does not alter protein structure/function; This variant is associated with the following publications: (PMID: 24503780, 23062543, 28663758, 23299917, 25617006, 32616434, 23183350, 35898701, 37652022, 30564623, 10939567, 31744510, 40932142)

Labcorp Genetics (formerly Invitae), Labcorp
Classification: Likely benign for Charcot-Marie-Tooth disease type 2. Last evaluated: 2026-01-28. Review status: criteria provided, single submitter. Criteria: Invitae Variant Classification Sherloc (09022015). Collection method: clinical testing. Allele origin: germline.

ARUP Laboratories, Molecular Genetics and Genomics, ARUP Laboratories
Classification: Uncertain significance. Last evaluated: 2025-07-17. Review status: criteria provided, single submitter. Criteria: ARUP Molecular Germline Variant Investigation Process 2024. Collection method: clinical testing. Allele origin: germline.
Comment: The LMNA c.1912G>A; p.Gly638Arg variant (rs144851946, ClinVar Variation ID: 48056), also known as p.Gly526Arg in traditional nomenclature, is reported in the literature in several cohorts of individuals affected with cardiac dysfunction, inclusion body myositis, and glucose intolerance with family history of Polycystic ovary syndrome (Crespo 2022, McGurk 2023, Narula 2012, van Rijsingen 2013, Weihl 2015). This variant is found in the African population with an allele frequency of 0.21% (51/24610 alleles) in the Genome Aggregation Database (v2.1.1). Computational analyses are uncertain whether this variant is neutral or deleterious (REVEL: 0.477). Due to limited information, the clinical significance of this variant is uncertain at this time. References: Crespo et al. High-throughput Sequencing to Identify Monogenic Etiologies in a Preselected Polycystic Ovary Syndrome Cohort. J Endocr Soc. 2022 Jul 5;6(9):bvac106. PMID: 35898701. McGurk et al. The penetrance of rare variants in cardiomyopathy-associated genes: A cross-sectional approach to estimating penetrance for secondary findings. Am J Hum Genet. 2023 Sep 7;110(9):1482-1495. PMID: 37652022. Narula et al. Quantitative expression of the mutated lamin A/C gene in patients with cardiolaminopathy. J Am Coll Cardiol. 2012 Nov 6;60(19):1916-20. PMID: 23062543. van Rijsingen et al. Gender-specific differences in major cardiac events and mortality in lamin A/C mutation carriers. Eur J Heart Fail. 2013 Apr;15(4):376-84. PMID: 23183350. Weihl CC et al. Targeted sequencing and identification of genetic variants in sporadic inclusion body myositis. Neuromuscul Disord. 2015 Apr;25(4):289-96. doi: 10.1016/j.nmd.2014.12.009. Epub 2015 Jan 6. PMID: 25617006.

Molecular Diagnostic Laboratory for Inherited Cardiovascular Disease, Montreal Heart Institute
Classification: Uncertain significance for Cardiovascular phenotype. Last evaluated: 2025-04-09. Review status: criteria provided, single submitter. Criteria: ACMG Guidelines, 2015. Collection method: clinical testing. Allele origin: germline. Affected: yes.

Mayo Clinic Laboratories, Mayo Clinic
Classification: Likely benign. Last evaluated: 2025-03-06. Review status: criteria provided, single submitter. Criteria: ACMG Guidelines, 2015. Collection method: clinical testing. Allele origin: germline. Observed: 3 variant alleles.
Comment: BS1

Women's Health and Genetics/Laboratory Corporation of America, LabCorp
Classification: Likely benign. Last evaluated: 2023-04-11. Review status: criteria provided, single submitter. Criteria: LabCorp Variant Classification Summary - May 2015. Collection method: clinical testing. Allele origin: germline.

Blueprint Genetics
Classification: Likely benign. Last evaluated: 2022-10-18. Review status: criteria provided, single submitter. Criteria: ACMG Guidelines, 2015. Collection method: clinical testing. Allele origin: germline.

Revvity Omics, Revvity
Classification: Uncertain significance. Last evaluated: 2021-11-20. Review status: criteria provided, single submitter. Criteria: ACMG Guidelines, 2015. Collection method: clinical testing. Allele origin: germline.

Color Diagnostics, LLC DBA Color Health
Classification: Likely benign for Cardiomyopathy. Last evaluated: 2018-12-02. Review status: criteria provided, single submitter. Criteria: ACMG Guidelines, 2015. Collection method: clinical testing. Allele origin: germline.

Eurofins Ntd Llc (ga)
Classification: Uncertain significance. Last evaluated: 2017-11-10. Review status: criteria provided, single submitter. Criteria: EGL Classification Definitions 2015. Collection method: clinical testing. Allele origin: germline. Observed: 5 variant alleles, 5 heterozygotes.

Laboratory for Molecular Medicine, Mass General Brigham Personalized Medicine
Classification: Likely benign. Last evaluated: 2012-08-14. Review status: criteria provided, single submitter. Criteria: LMM Criteria. Collection method: clinical testing. Allele origin: germline. Observed: 3 variant alleles.
Comment: Gly638Arg in exon 11 of LMNA: This variant is not expected to have clinical sign ificance because it has been identified in 0.3% (12/4406) African American chrom osomes from a broad population by the NHLBI Exome Sequencing Project (.; dbSNP rs144851946). Gly638Arg in exon 11 of LMNA (rs144 851946; allele frequency = 0.3%, 12/4406) **

PreventionGenetics, part of Exact Sciences
Classification: Likely benign for LMNA-related condition. Last evaluated: 2020-10-21. Review status: no assertion criteria provided. Collection method: clinical testing. Allele origin: germline. Not counted in ClinVar's aggregate classification.
Comment: This variant is classified as likely benign based on ACMG/AMP sequence variant interpretation guidelines (Richards et al. 2015 PMID: 25741868, with internal and published modifications).

Literature cited by the submitters: PubMed 23062543 (cited by Mayo Clinic Laboratories, Mayo Clinic and Eurofins Ntd Llc (ga)); PubMed 23183350 (cited by Mayo Clinic Laboratories, Mayo Clinic and Eurofins Ntd Llc (ga)); PubMed 35898701 (cited by Mayo Clinic Laboratories, Mayo Clinic); PubMed 37652022 (cited by Mayo Clinic Laboratories, Mayo Clinic); PubMed 25617006 (cited by Eurofins Ntd Llc (ga)).

NM_170707.4(LMNA):c.1912G>A (p.Gly638Arg)

Gene: LMNA (lamin A/C; plus strand). Cytogenetic location: 1q22.
Variant type: single nucleotide variant.
Coding change: c.1912G>A on transcript NM_170707.4 (MANE Select); coding-DNA position 1912, G replaced by A.
Protein change: p.Gly638Arg; replaces glycine 638 with arginine.
Molecular consequence: missense variant. On other transcripts: intron variant (1).
Genome position (GRCh38, 1-based): chr1:156,138,701, G>A. VCF-style: chr1-156138701-G-A. GRCh37 (hg19) VCF-style: chr1-156108492-G-A.
Other names: p.G638R:GGG>AGG; c.1576G>A, p.Gly526Arg (NM_001257374.3, NM_001406989.1); c.1912G>A, p.Gly638Arg (NM_001406983.1, NM_001406985.1, NM_001406991.1); c.1669G>A, p.Gly557Arg (NM_001406986.1, NM_001406987.1); c.1615G>A, p.Gly539Arg (NM_001406988.1); c.1354G>A, p.Gly452Arg (NM_001406990.1, NM_001406993.1, NM_001406995.1 and 2 more transcripts); c.1288G>A, p.Gly430Arg (NM_001406994.1, NM_001406999.1, NM_001407000.1 and 1 more transcripts); c.1822G>A, p.Gly608Arg (NM_170708.4); and 1 more; short protein forms G608R, G638R, G526R, G539R, G452R, G557R, G430R.
Identifiers: ClinVar variation 48056 (VCV000048056.45), dbSNP rs144851946, ClinGen allele CA015346.